The following is an entry in ClinVar:

NM_021167.5(GATAD1):c.249+2T>C

Genes: GATAD1 (GATA zinc finger domain containing 1; plus strand), LOC129998793 (ATAC-STARR-seq lymphoblastoid silent region 18371; plus strand). Cytogenetic location: 7q21.2.
Variant type: single nucleotide variant.
Coding change: c.249+2T>C on transcript NM_021167.5 (MANE Select); the canonical splice donor site of the intron after coding-DNA position 249, T replaced by C.
Molecular consequence: splice donor variant.
Genome position (GRCh38, 1-based): chr7:92,447,980, T>C. VCF-style: chr7-92447980-T-C. GRCh37 (hg19) VCF-style: chr7-92077294-T-C.
Identifiers: ClinVar variation 228694 (VCV000228694.12), dbSNP rs876657813, ClinGen allele CA10576731.

ClinVar aggregate classification (germline): Uncertain significance. Review status: criteria provided, multiple submitters, no conflicts (2 of 4 stars). 2 submissions from 2 submitters: Uncertain significance (2). Last evaluated 2019-10-02.

Conditions:
Dilated cardiomyopathy 2B. Identifiers: Orphanet 154, MedGen C3553409, MONDO:0013848, OMIM 614672.

Submissions (2):

Labcorp Genetics (formerly Invitae), Labcorp
Classification: Uncertain significance for Dilated cardiomyopathy 2B. Last evaluated: 2019-10-02. Review status: criteria provided, single submitter. Criteria: Invitae Variant Classification Sherloc (09022015). Collection method: clinical testing. Allele origin: germline.
Comment: This variant has not been reported in the literature in individuals with GATAD1-related conditions. ClinVar contains an entry for this variant (Variation ID: 228694). In summary, the available evidence is currently insufficient to determine the role of this variant in disease. Therefore, it has been classified as a Variant of Uncertain Significance. The current clinical and genetic evidence is not sufficient to establish whether loss-of-function variants in GATAD1 cause disease. Algorithms developed to predict the effect of sequence changes on RNA splicing suggest that this variant may disrupt the consensus splice site, but this prediction has not been confirmed by published transcriptional studies. The frequency data for this variant in the population databases is considered unreliable, as metrics indicate insufficient coverage at this position in the ExAC database. This sequence change affects a donor splice site in intron 1 of the GATAD1 gene. It is expected to disrupt RNA splicing and likely results in an absent or disrupted protein product.

Laboratory for Molecular Medicine, Mass General Brigham Personalized Medicine
Classification: Uncertain significance. Last evaluated: 2015-07-01. Review status: criteria provided, single submitter. Criteria: LMM Criteria. Collection method: clinical testing. Allele origin: germline. Observed: 1 variant allele.
Comment: Variant classified as Uncertain Significance - Favor Pathogenic. The c.249+2T>C variant in GATAD1 has not been previously reported in individuals with cardiomyo pathy. Data from large population studies is insufficient to assess its frequenc y. This variant occurs in the invariant region (+/- 1,2) of the splice consensus sequence and is predicted to cause altered splicing leading to an abnormal or a bsent protein. The GATAD1 gene is associated with autosomal recessive DCM (Theis 2011) though the evidence is limited and the pathogenic variant spectrum is unk nown. In summary, although the c.249+2T>C variant is expected to have a severe i mpact on the protein, its clinical significance is uncertain.

Literature cited by the submitters: PubMed 21965549 (cited by Laboratory for Molecular Medicine, Mass General Brigham Personalized Medicine).